The following is an entry in ClinVar:

ClinVar aggregate classification (germline): Uncertain significance (1 of 4 stars; one submission).

Conditions:
Nemaline myopathy 6 (NEM6). Also called: Nemaline myopathy 6, autosomal dominant. Identifiers: Orphanet 171439, MedGen C1836472, MONDO:0012237, OMIM 609273.

Allele frequency attached by ClinVar (database versions not stated): TOPMed below 0.00001.

Submission:

Labcorp Genetics (formerly Invitae), Labcorp
Classification: Uncertain significance for Nemaline myopathy 6. Last evaluated: 2022-04-11. Review status: criteria provided, single submitter. Criteria: Invitae Variant Classification Sherloc (09022015). Collection method: clinical testing. Allele origin: germline.
Comment: In summary, the available evidence is currently insufficient to determine the role of this variant in disease. Therefore, it has been classified as a Variant of Uncertain Significance. Algorithms developed to predict the effect of missense changes on protein structure and function are either unavailable or do not agree on the potential impact of this missense change (SIFT: "Deleterious"; PolyPhen-2: "Possibly Damaging"; Align-GVGD: "Class C0"). This variant has not been reported in the literature in individuals affected with KBTBD13-related conditions. This variant is not present in population databases (gnomAD no frequency). This sequence change replaces alanine, which is neutral and non-polar, with valine, which is neutral and non-polar, at codon 205 of the KBTBD13 protein (p.Ala205Val).

NM_001101362.3(KBTBD13):c.614C>T (p.Ala205Val)

Gene: KBTBD13 (kelch repeat and BTB domain containing 13; plus strand). Cytogenetic location: 15q22.31.
Variant type: single nucleotide variant.
Coding change: c.614C>T on transcript NM_001101362.3 (MANE Select); coding-DNA position 614, C replaced by T.
Protein change: p.Ala205Val; replaces alanine 205 with valine.
Molecular consequence: missense variant.
Genome position (GRCh38, 1-based): chr15:65,077,429, C>T. VCF-style: chr15-65077429-C-T. GRCh37 (hg19) VCF-style: chr15-65369767-C-T.
Other names: short protein forms A205V.
Identifiers: ClinVar variation 2417637 (VCV002417637.6), dbSNP rs1361867178, ClinGen allele CA392861769.
Genomic context (GRCh38, chr15:65,077,429, plus strand): 5'-ACGCGTGGCGCACGCTGGCTGCGCTGCCCCTGGAGGCCAGCACGTTGCTGGCCGGGGTGG[C>T]CACGCTGGGCAACAAGCTTTACATCGTGGGGGGCGTGCGCGGCGCCAGCAAGGAGGTGGT-3'
Protein context (NP_001094832.1, residues 195-215): LEASTLLAGV[Ala205Val]TLGNKLYIVG